The following is an entry in ClinVar:

NM_005557.4(KRT16):c.470G>T (p.Arg157Leu)

Gene: KRT16 (keratin 16; minus strand). Cytogenetic location: 17q21.2.
Variant type: single nucleotide variant.
Coding change: c.470G>T on transcript NM_005557.4 (MANE Select); coding-DNA position 470, G replaced by T.
Protein change: p.Arg157Leu; replaces arginine 157 with leucine.
Molecular consequence: missense variant.
Genome position (GRCh38, 1-based): chr17:41,612,219, C>A on the plus strand (G>T on the coding strand, the complement: KRT16 is on the minus strand). VCF-style: chr17-41612219-C-A. GRCh37 (hg19) VCF-style: chr17-39768471-C-A.
Other names: short protein forms R157L.
Identifiers: ClinVar variation 2721779 (VCV002721779.3), dbSNP rs765890418, ClinGen allele CA399494296.

ClinVar aggregate classification (germline): Uncertain significance (1 of 4 stars; one submission).

Submission:

Labcorp Genetics (formerly Invitae), Labcorp
Classification: Uncertain significance. Last evaluated: 2025-12-15. Review status: criteria provided, single submitter. Criteria: Invitae Variant Classification Sherloc (09022015). Collection method: clinical testing. Allele origin: germline.
Comment: This sequence change replaces arginine, which is basic and polar, with leucine, which is neutral and non-polar, at codon 157 of the KRT16 protein (p.Arg157Leu). This variant is not present in population databases (gnomAD no frequency). This variant has not been reported in the literature in individuals affected with KRT16-related conditions. ClinVar contains an entry for this variant (Variation ID: 2721779). Invitae Evidence Modeling of protein sequence and biophysical properties (such as structural, functional, and spatial information, amino acid conservation, physicochemical variation, residue mobility, and thermodynamic stability) indicates that this missense variant is not expected to disrupt KRT16 protein function with a negative predictive value of 95%. In summary, the available evidence is currently insufficient to determine the role of this variant in disease. Therefore, it has been classified as a Variant of Uncertain Significance.